The following is an entry in ClinVar:

NM_003051.4(SLC16A1):c.607A>G (p.Thr203Ala)

Gene: SLC16A1 (solute carrier family 16 member 1; minus strand). Cytogenetic location: 1p13.2.
Variant type: single nucleotide variant.
Coding change: c.607A>G on transcript NM_003051.4 (MANE Select); coding-DNA position 607, A replaced by G.
Protein change: p.Thr203Ala; replaces threonine 203 with alanine.
Molecular consequence: missense variant.
Genome position (GRCh38, 1-based): chr1:112,917,799, T>C on the plus strand (A>G on the coding strand, the complement: SLC16A1 is on the minus strand). VCF-style: chr1-112917799-T-C. GRCh37 (hg19) VCF-style: chr1-113460421-T-C.
Other names: c.607A>G, p.Thr203Ala (NM_001166496.2); short protein forms T203A.
Identifiers: ClinVar variation 1965870 (VCV001965870.5), dbSNP rs554756281, ClinGen allele CA1011400.

ClinVar aggregate classification (germline): Uncertain significance (1 of 4 stars; one submission).

Allele frequency attached by ClinVar (database versions not stated): TOPMed below 0.00001; gnomAD 0.00001; gnomAD exomes 0.00003; ExAC 0.00006; 1000 Genomes Project 30x 0.00016; 1000 Genomes Project 0.00020.
gnomAD v4.1: 44 of 1,614,222 alleles (0.0027%); highest among the groups gnomAD compares: South Asian, 0.047%; no homozygotes.

Submission:

Labcorp Genetics (formerly Invitae), Labcorp
Classification: Uncertain significance. Last evaluated: 2024-05-08. Review status: criteria provided, single submitter. Criteria: Invitae Variant Classification Sherloc (09022015). Collection method: clinical testing. Allele origin: germline.
Comment: This sequence change replaces threonine, which is neutral and polar, with alanine, which is neutral and non-polar, at codon 203 of the SLC16A1 protein (p.Thr203Ala). This variant is present in population databases (rs554756281, gnomAD 0.03%). This variant has not been reported in the literature in individuals affected with SLC16A1-related conditions. ClinVar contains an entry for this variant (Variation ID: 1965870). Algorithms developed to predict the effect of missense changes on protein structure and function output the following: SIFT: "Not Available"; PolyPhen-2: "Benign"; Align-GVGD: "Not Available". The alanine amino acid residue is found in multiple mammalian species, which suggests that this missense change does not adversely affect protein function. In summary, the available evidence is currently insufficient to determine the role of this variant in disease. Therefore, it has been classified as a Variant of Uncertain Significance.